The following is an entry in ClinVar:

NM_005334.3(HCFC1):c.2028+6T>C

Gene: HCFC1 (host cell factor C1; minus strand). Cytogenetic location: Xq28.
Variant type: single nucleotide variant.
Coding change: c.2028+6T>C on transcript NM_005334.3 (MANE Select); 6 bases into the intron after coding-DNA position 2028, T replaced by C.
Molecular consequence: intron variant.
Genome position (GRCh38, 1-based): chrX:153,958,019, A>G on the plus strand (T>C on the coding strand, the complement: HCFC1 is on the minus strand). VCF-style: chrX-153958019-A-G. GRCh37 (hg19) VCF-style: chrX-153223470-A-G.
Other names: c.2028+6T>C (NM_001410705.1).
Identifiers: ClinVar variation 2766111 (VCV002766111.3), dbSNP rs2065394990, ClinGen allele CA2466541654.

ClinVar aggregate classification (germline): Uncertain significance (1 of 4 stars; one submission).

Conditions:
Methylmalonic acidemia with homocystinuria, type cblX (MAHCX). Also called: INTELLECTUAL DEVELOPMENTAL DISORDER, X-LINKED 3. Identifiers: Orphanet 369962, MedGen C0796208, MONDO:0010657, OMIM 309541.

Submission:

Labcorp Genetics (formerly Invitae), Labcorp
Classification: Uncertain significance for Methylmalonic acidemia with homocystinuria, type cblX. Last evaluated: 2024-09-09. Review status: criteria provided, single submitter. Criteria: Invitae Variant Classification Sherloc (09022015). Collection method: clinical testing. Allele origin: germline.
Comment: This sequence change falls in intron 11 of the HCFC1 gene. It does not directly change the encoded amino acid sequence of the HCFC1 protein. It affects a nucleotide within the consensus splice site. This variant is not present in population databases (gnomAD no frequency). This variant has not been reported in the literature in individuals affected with HCFC1-related conditions. Variants that disrupt the consensus splice site are a relatively common cause of aberrant splicing (PMID: 17576681, 9536098). Algorithms developed to predict the effect of sequence changes on RNA splicing suggest that this variant is not likely to affect RNA splicing. In summary, the available evidence is currently insufficient to determine the role of this variant in disease. Therefore, it has been classified as a Variant of Uncertain Significance.

Literature cited by the submitters: PubMed 17576681; PubMed 9536098.